The following is an entry in ClinVar:

ClinVar aggregate classification (germline): Likely benign (1 of 4 stars; one submission).

Allele frequency attached by ClinVar (database versions not stated): gnomAD exomes 0.00001 and 0.00003; gnomAD 0.00003 and 0.00004; TOPMed 0.00006.

Submission:

GeneDx
Classification: Likely benign. Last evaluated: 2021-04-14. Review status: criteria provided, single submitter. Criteria: GeneDx Variant Classification Process June 2021. Collection method: clinical testing. Allele origin: germline. Affected: yes.
Comment: In silico analysis, which includes protein predictors and evolutionary conservation, supports that this variant does not alter protein structure/function; This variant is associated with the following publications: (PMID: 27199457)

NM_004463.3(FGD1):c.1033G>A (p.Glu345Lys)

Gene: FGD1 (FYVE, RhoGEF and PH domain containing 1; minus strand). Cytogenetic location: Xp11.22.
Variant type: single nucleotide variant.
Coding change: c.1033G>A on transcript NM_004463.3 (MANE Select); coding-DNA position 1033, G replaced by A.
Protein change: p.Glu345Lys; replaces glutamic acid 345 with lysine.
Molecular consequence: missense variant.
Genome position (GRCh38, 1-based): chrX:54,470,084, C>T on the plus strand (G>A on the coding strand, the complement: FGD1 is on the minus strand). VCF-style: chrX-54470084-C-T. GRCh37 (hg19) VCF-style: chrX-54496517-C-T.
Other names: short protein forms E345K.
Identifiers: ClinVar variation 1194217 (VCV001194217.2), dbSNP rs1160132540, ClinGen allele CA413247727.